The following is an entry in ClinVar:

ClinVar aggregate classification (germline): Pathogenic (1 of 4 stars; one submission).

Submission:

Labcorp Genetics (formerly Invitae), Labcorp
Classification: Pathogenic. Last evaluated: 2022-01-07. Review status: criteria provided, single submitter. Criteria: Invitae Variant Classification Sherloc (09022015). Collection method: clinical testing. Allele origin: germline.
Comment: This sequence change creates a premature translational stop signal (p.Pro202Thrfs*17) in the RP2 gene. It is expected to result in an absent or disrupted protein product. Loss-of-function variants in RP2 are known to be pathogenic (PMID: 11992260, 20625056). This variant is not present in population databases (gnomAD no frequency). This variant has not been reported in the literature in individuals affected with RP2-related conditions. For these reasons, this variant has been classified as Pathogenic.

Literature cited by the submitters: PubMed 11992260; PubMed 20625056.

NM_006915.3(RP2):c.603dup (p.Pro202fs)

Gene: RP2 (RP2 activator of ARL3 GTPase; plus strand). Cytogenetic location: Xp11.3.
Variant type: Duplication.
Coding change: c.603dup on transcript NM_006915.3 (MANE Select); coding-DNA position 603, one base duplicated (A; older notation c.603dupA).
Protein change: p.Pro202fs; shifts the reading frame from proline 202.
Molecular consequence: frameshift variant.
Genome position (GRCh38, 1-based): chrX:46,853,976, A duplicated. VCF-style (leftmost placement, unchanged base first): chrX-46853975-T-TA. GRCh37 (hg19) VCF-style: chrX-46713410-T-TA.
Other names: short protein forms P202fs.
Identifiers: ClinVar variation 1450908 (VCV001450908.6), dbSNP rs2147081466, ClinGen allele CA2573158912.